The following is an entry in ClinVar:

NM_032217.5(ANKRD17):c.1669G>C (p.Gly557Arg)

Gene: ANKRD17 (ankyrin repeat domain 17; minus strand). Cytogenetic location: 4q13.3.
Variant type: single nucleotide variant.
Coding change: c.1669G>C on transcript NM_032217.5 (MANE Select); coding-DNA position 1669, G replaced by C.
Protein change: p.Gly557Arg; replaces glycine 557 with arginine.
Molecular consequence: missense variant.
Genome position (GRCh38, 1-based): chr4:73,147,331, C>G on the plus strand (G>C on the coding strand, the complement: ANKRD17 is on the minus strand). VCF-style: chr4-73147331-C-G. GRCh37 (hg19) VCF-style: chr4-74013048-C-G.
Other names: c.1330G>C, p.Gly444Arg (NM_001286771.3); c.1669G>C, p.Gly557Arg (NM_015574.2, NM_198889.3); c.1669G>C (NM_032217.4); short protein forms G444R, G557R.
Identifiers: ClinVar variation 2662300 (VCV002662300.2), dbSNP rs2531122303, ClinGen allele CA357226156.

ClinVar aggregate classification (germline): Uncertain significance (1 of 4 stars; one submission).

Submission:

GeneDx
Classification: Uncertain significance. Last evaluated: 2026-07-24. Review status: criteria provided, single submitter. Criteria: GeneDx Variant Classification Process June 2021. Collection method: clinical testing. Allele origin: germline.
Comment: Not observed at significant frequency in large population cohorts (gnomAD); In silico analysis supports that this missense variant has a deleterious effect on protein structure/function; Has not been previously published as pathogenic or benign to our knowledge